The following is an entry in ClinVar:

ClinVar aggregate classification (germline): Pathogenic (1 of 4 stars; one submission).

Submission:

Labcorp Genetics (formerly Invitae), Labcorp
Classification: Pathogenic. Last evaluated: 2025-03-17. Review status: criteria provided, single submitter. Criteria: Invitae Variant Classification Sherloc (09022015). Collection method: clinical testing. Allele origin: germline.
Comment: This sequence change inserts a large fragment of DNA, likely a transposable element, in exon 3 of the LCA5 gene (c.67_68ins?), causing a frameshift at codon 23 (p.Tyr23fs). The exact size and sequence of the insertion cannot be determined by the current assay. However, the insertion is expected to result in an absent or disrupted protein product. This variant is not present in population databases (gnomAD no frequency). This variant has not been reported in the literature in individuals affected with LCA5-related conditions. ClinVar contains an entry for this variant (Variation ID: 1357373). Retrotransposon insertions including LINE1 (L1), Alu, and SVA (SINE-VNTR-Alu) have been reported to be disease-causing through disruption of either a coding region or splice site (PMID: 19763152, 20307669, 22406018) and loss-of-function variants in LCA5 are known to be pathogenic (PMID: 17546029, 23946133). For these reasons, this variant has been classified as Pathogenic.

Literature cited by the submitters: PubMed 19763152; PubMed 20307669; PubMed 22406018; PubMed 17546029; PubMed 23946133.

NM_001122769.3(LCA5):c.67_68insTTTTTTTTTTTTTTTTTTTTNNNNNNNNNNACCGTTTTAGCCGGGATGGTCTCGATCTCCTGACCTCGTGATCCGCCCGCCTCGGCCTCCCAAAGTGCTGGGATTACAGGCGTGAGCCACCGCGCCCGGCCTAACACCATTATTCTT (p.Tyr23delinsPhePhePhePhePhePhePheXaaXaaXaaXaaArgPheSerArgAspGlyLeuAspLeuLeuThrSerTer)

Gene: LCA5 (lebercilin LCA5; minus strand). Cytogenetic location: 6q14.1.
Variant type: Insertion.
Coding change: c.67_68insTTTTTTTTTTTTTTTTTTTTNNNNNNNNNNACCGTTTTAGCCGGGATGGTCTCGATCTCCTGACCTCGTGATCCGCCCGCCTCGGCCTCCCAAAGTGCTGGGATTACAGGCGTGAGCCACCGCGCCCGGCCTAACACCATTATTCTT on transcript NM_001122769.3 (MANE Select); coding-DNA positions 67 to 68, TTTTTTTTTTTTTTTTTTTTNNNNNNNNNNACCGTTTTAGCCGGGATGGTCTCGATCTCCTGACCTCGTGATCCGCCCGCCTCGGCCTCCCAAAGTGCTGGGATTACAGGCGTGAGCCACCGCGCCCGGCCTAACACCATTATTCTT inserted.
Protein change: p.Tyr23delinsPhePhePhePhePhePhePheXaaXaaXaaXaaArgPheSerArgAspGlyLeuAspLeuLeuThrSerTer.
Molecular consequence: nonsense.
Genome position: GRCh38: chr6:79,518,842-79,518,843. GRCh37 (hg19): chr6:80,228,559-80,228,560.
Other names: c.67_68insTTTTTTTTTTTTTTTTTTTTNNNNNNNNNNACCGTTTTAGCCGGGATGGTCTCGATCTCCTGACCTCGTGATCCGCCCGCCTCGGCCTCCCAAAGTGCTGGGATTACAGGCGTGAGCCACCGCGCCCGGCCTAACACCATTATTCTT, p.Tyr23delinsPhePhePhePhePhePhePheXaaXaaXaaXaaArgPheSerArgAspGlyLeuAspLeuLeuThrSerTer (NM_181714.4).
Identifiers: ClinVar variation 1357373 (VCV001357373.6), dbSNP rs2127682999.